The following is an entry in ClinVar:

NM_006885.4(ZFHX3):c.1434AGAGGAGGAGGAAGA[3] (p.Glu487_Asp488insGluGluGluGluGlu)

Gene: ZFHX3 (zinc finger homeobox 3; minus strand). Cytogenetic location: 16q22.3.
Variant type: Microsatellite.
Coding change: c.1434AGAGGAGGAGGAAGA[3] on transcript NM_006885.4 (MANE Select); three copies in a row of the 15-base unit AGAGGAGGAGGAAGA starting at c.1434; the reference has two copies in a row; one copy, 15 bases duplicated.
Protein change: p.Glu487_Asp488insGluGluGluGluGlu.
Molecular consequence: intron variant (on NM_001164766.2).
Genome position (GRCh38, 1-based): chr16:72,958,683-72,958,697, TCTTCCTCCTCCTCT duplicated on the plus strand (AGAGGAGGAGGAAGA on the coding strand, the reverse complement: ZFHX3 is on the minus strand); duplicating any 15 consecutive bases within chr16:72,958,683-72,958,726 gives the same sequence; the position shown is the placement nearest the transcript's 3' end. VCF-style (leftmost placement, unchanged base first): chr16-72958682-G-GTCTTCCTCCTCCTCT. GRCh37 (hg19) VCF-style: chr16-72992581-G-GTCTTCCTCCTCCTCT.
Other names: c.1434AGAGGAGGAGGAAGA[3], p.Glu487_Asp488insGluGluGluGluGlu (NM_001386735.1); c.-23-7747AGAGGAGGAGGAAGA[3] (NM_001164766.2).
Identifiers: ClinVar variation 3041274 (VCV003041274.16), dbSNP rs376713069, ClinGen allele CA8164703.

ClinVar aggregate classification (germline): Likely benign. Review status: criteria provided, multiple submitters, no conflicts (2 of 4 stars). 3 submissions from 3 submitters: Likely benign (2). 1 of the submissions does not count toward it. Last evaluated 2026-08-01.

Conditions:
ZFHX3-related disorder. Also called: ZFHX3-related condition.

Submissions (3):

CeGaT Center for Human Genetics Tuebingen
Classification: Likely benign. Last evaluated: 2026-08-01. Review status: criteria provided, single submitter. Criteria: CeGaT Center For Human Genetics Tuebingen Variant Classification Criteria Version 2. Collection method: clinical testing. Allele origin: germline. Affected: yes. Observed: 4 variant alleles.
Comment: ZFHX3: BS2

Blueprint Genetics
Classification: Likely benign. Last evaluated: 2024-11-22. Review status: criteria provided, single submitter. Criteria: ACMG Guidelines, 2015. Collection method: clinical testing. Allele origin: germline.

PreventionGenetics, part of Exact Sciences
Classification: Likely benign for ZFHX3-related condition. Last evaluated: 2019-05-20. Review status: no assertion criteria provided. Collection method: clinical testing. Allele origin: germline. Not counted in ClinVar's aggregate classification.
Comment: This variant is classified as likely benign based on ACMG/AMP sequence variant interpretation guidelines (Richards et al. 2015 PMID: 25741868, with internal and published modifications).